The following is an entry in ClinVar:

ClinVar aggregate classification (germline): Likely benign (1 of 4 stars; one submission).

gnomAD v4.1: 76 of 1,613,904 alleles (0.0047%); highest among the groups gnomAD compares: Admixed American, 0.12%; 1 homozygote.

Submission:

CeGaT Center for Human Genetics Tuebingen
Classification: Likely benign. Last evaluated: 2025-11-01. Review status: criteria provided, single submitter. Criteria: CeGaT Center For Human Genetics Tuebingen Variant Classification Criteria Version 2. Collection method: clinical testing. Allele origin: germline. Affected: yes. Observed: 1 variant allele.
Comment: ZFHX3: BP4, BP7

NM_006885.4(ZFHX3):c.10764G>A (p.Gln3588=)

Genes: ZFHX3 (zinc finger homeobox 3; minus strand), ZFHX3-AS1 (ZFHX3 antisense RNA 1; plus strand). Cytogenetic location: 16q22.2.
Variant type: single nucleotide variant.
Coding change: c.10764G>A on transcript NM_006885.4 (MANE Select); coding-DNA position 10764, G replaced by A.
Protein change: p.Gln3588=; no amino-acid change (glutamine 3588 retained).
Molecular consequence: synonymous variant. On other transcripts: non-coding transcript variant (1).
Genome position (GRCh38, 1-based): chr16:72,787,512, C>T on the plus strand (G>A on the coding strand, the complement: ZFHX3 is on the minus strand). VCF-style: chr16-72787512-C-T. GRCh37 (hg19) VCF-style: chr16-72821411-C-T.
Other names: c.8022G>A, p.Gln2674= (NM_001164766.2); c.10764G>A, p.Gln3588= (NM_001386735.1).
Identifiers: ClinVar variation 4533849 (VCV004533849.6).